The following is an entry in ClinVar:

ClinVar aggregate classification (germline): Uncertain significance (1 of 4 stars; one submission).

Conditions:
Progressive sclerosing poliodystrophy (MTDPS4A). Also called: Mitochondrial DNA depletion syndrome 4A (Alpers type); ALPERS PROGRESSIVE INFANTILE POLIODYSTROPHY; NEURONAL DEGENERATION OF CHILDHOOD WITH LIVER DISEASE, PROGRESSIVE; Mitochondrial DNA Depletion Syndrome 4A; Alpers-Huttenlocher Syndrome (AHS); Alpers Syndrome. Identifiers: Orphanet 726, MedGen C0205710, MONDO:0008758, OMIM 203700.

Submission:

Labcorp Genetics (formerly Invitae), Labcorp
Classification: Uncertain significance for Progressive sclerosing poliodystrophy. Last evaluated: 2021-08-27. Review status: criteria provided, single submitter. Criteria: Invitae Variant Classification Sherloc (09022015). Collection method: clinical testing. Allele origin: germline.
Comment: This sequence change replaces arginine with lysine at codon 802 of the POLG protein (p.Arg802Lys). The arginine residue is highly conserved and there is a small physicochemical difference between arginine and lysine. This variant is not present in population databases (ExAC no frequency). This variant has not been reported in the literature in individuals affected with POLG-related conditions. Algorithms developed to predict the effect of missense changes on protein structure and function are either unavailable or do not agree on the potential impact of this missense change (SIFT: "Tolerated"; PolyPhen-2: "Probably Damaging"; Align-GVGD: "Class C0"). Algorithms developed to predict the effect of sequence changes on RNA splicing suggest that this variant may create or strengthen a splice site. In summary, the available evidence is currently insufficient to determine the role of this variant in disease. Therefore, it has been classified as a Variant of Uncertain Significance.

NM_002693.3(POLG):c.2405G>A (p.Arg802Lys)

Gene: POLG (DNA polymerase gamma, catalytic subunit; minus strand). Cytogenetic location: 15q26.1.
Variant type: single nucleotide variant.
Coding change: c.2405G>A on transcript NM_002693.3 (MANE Select); coding-DNA position 2405, G replaced by A.
Protein change: p.Arg802Lys; replaces arginine 802 with lysine.
Molecular consequence: missense variant.
Genome position (GRCh38, 1-based): chr15:89,322,763, C>T on the plus strand (G>A on the coding strand, the complement: POLG is on the minus strand). VCF-style: chr15-89322763-C-T. GRCh37 (hg19) VCF-style: chr15-89865994-C-T.
Other names: c.2405G>A, p.Arg802Lys (NM_001126131.2); short protein forms R802K.
Identifiers: ClinVar variation 1389822 (VCV001389822.5), dbSNP rs545622947, ClinGen allele CA393756269.